The following is an entry in ClinVar:

NM_000383.4(AIRE):c.1566+4A>G

Genes: AIRE (autoimmune regulator; plus strand), LOC130066813 (ATAC-STARR-seq lymphoblastoid silent region 13378; plus strand). Cytogenetic location: 21q22.3.
Variant type: single nucleotide variant.
Coding change: c.1566+4A>G on transcript NM_000383.4 (MANE Select); 4 bases into the intron after coding-DNA position 1566, A replaced by G.
Molecular consequence: intron variant.
Genome position (GRCh38, 1-based): chr21:44,296,449, A>G. VCF-style: chr21-44296449-A-G. GRCh37 (hg19) VCF-style: chr21-45716332-A-G.
Identifiers: ClinVar variation 2672176 (VCV002672176.1), dbSNP rs558313647, ClinGen allele CA10052180.

ClinVar aggregate classification (germline): Uncertain significance (1 of 4 stars; one submission).

Conditions:
Polyglandular autoimmune syndrome, type 1 (APS1). Also called: AUTOIMMUNE POLYENDOCRINE SYNDROME, TYPE I, WITH OR WITHOUT REVERSIBLE METAPHYSEAL DYSPLASIA; Autoimmune polyendocrinopathy syndrome, type I; PGA I; Autoimmune polyendocrinopathy syndrome , type I, with or without reversible metaphyseal dysplasia; Autoimmune polyendocrine syndrome type 1; APS I. Identifiers: Orphanet 3453, MedGen C0085859, MONDO:0009411, OMIM 240300.

Allele frequency attached by ClinVar (database versions not stated): gnomAD exomes below 0.00001; TOPMed below 0.00001; ExAC 0.00001; gnomAD 0.00001; 1000 Genomes Project 30x 0.00016; 1000 Genomes Project 0.00020.
gnomAD v4.1: 3 of 1,611,752 alleles (0.00019%); highest among the groups gnomAD compares: African/African-American, 0.0027%; no homozygotes.

Submission:

Clinical Genomics Laboratory, Washington University in St. Louis
Classification: Uncertain significance for Polyglandular autoimmune syndrome, type 1. Last evaluated: 2023-10-31. Review status: criteria provided, single submitter. Criteria: ACMG Guidelines, 2015. Collection method: clinical testing. Allele origin: germline.
Comment: The AIRE c.1566+4A>G variant, to our knowledge, has not been reported in the medical literature and is only observed on 1/249,918 alleles in the general population (gnomAD v.2.1.1), indicating it is not a common variant. Computational predictors are uncertain if this variant would alter splicing. Other variants in the canonical splicing donor immediately upstream of this variant have been described in the ClinVar database as pathogenic or likely pathogenic (ClinVar IDs: 2421759, 370846, 371075). Due to limited information, and based on ACMG/AMP guidelines for variant interpretation (Richards S et al., PMID: 25741868), the clinical significance of this variant is uncertain at this time.